The following is an entry in ClinVar:

ClinVar aggregate classification (germline): Pathogenic/Likely pathogenic. Review status: criteria provided, multiple submitters, no conflicts (2 of 4 stars). 3 submissions from 3 submitters: Pathogenic (1); Likely pathogenic (2). Last evaluated 2023-05-29.

Conditions:
Mucopolysaccharidosis, MPS-III-A (MPS3A). Also called: HEPARAN SULFATE SULFATASE DEFICIENCY; SANFILIPPO SYNDROME A; SULFAMIDASE DEFICIENCY; MPS III A; MPS IIIA (Sanfilippo Syndrome Type A); Mucopolysaccharidosis type IIIA (Sanfilippo A). Identifiers: Orphanet 581, Orphanet 79269, MedGen C0086647, MONDO:0009655, OMIM 252900.

Submissions (3):

Baylor Genetics
Classification: Likely pathogenic for Mucopolysaccharidosis, MPS-III-A. Last evaluated: 2023-05-29. Review status: criteria provided, single submitter. Criteria: ACMG Guidelines, 2015. Collection method: clinical testing. Allele origin: unknown.

Women's Health and Genetics/Laboratory Corporation of America, LabCorp
Classification: Likely pathogenic for Mucopolysaccharidosis, MPS-III-A. Last evaluated: 2022-11-08. Review status: criteria provided, single submitter. Criteria: LabCorp Variant Classification Summary - May 2015. Collection method: clinical testing. Allele origin: germline.
Comment: Variant summary: SGSH c.693_705del13 (p.Ala232TrpfsX28) results in a premature termination codon, predicted to cause a truncation of the encoded protein or absence of the protein due to nonsense mediated decay, which are commonly known mechanisms for disease. Truncations downstream of this position have been classified as pathogenic by our laboratory. The variant was absent in 237344 control chromosomes (gnomAD). To our knowledge, no occurrence of c.693_705del13 in individuals affected with Mucopolysaccharidosis Type IIIA (Sanfilippo Syndrome A) and no experimental evidence demonstrating its impact on protein function have been reported. One clinical diagnostic laboratory has submitted a clinical-significance assessments for this variant to ClinVar after 2014 and classified the variant as pathogenic. Based on the evidence outlined above, the variant was classified as likely pathogenic.

Labcorp Genetics (formerly Invitae), Labcorp
Classification: Pathogenic for Mucopolysaccharidosis, MPS-III-A. Last evaluated: 2021-09-19. Review status: criteria provided, single submitter. Criteria: Invitae Variant Classification Sherloc (09022015). Collection method: clinical testing. Allele origin: germline.
Comment: This sequence change creates a premature translational stop signal (p.Ala232Trpfs*28) in the SGSH gene. It is expected to result in an absent or disrupted protein product. Loss-of-function variants in SGSH are known to be pathogenic (PMID: 11182930, 21204211, 22976768). This variant is not present in population databases (ExAC no frequency). This variant has not been reported in the literature in individuals affected with SGSH-related conditions. For these reasons, this variant has been classified as Pathogenic.

Literature cited by the submitters: PubMed 11182930 (cited by Labcorp Genetics (formerly Invitae), Labcorp); PubMed 21204211 (cited by Labcorp Genetics (formerly Invitae), Labcorp); PubMed 22976768 (cited by Labcorp Genetics (formerly Invitae), Labcorp).

NM_000199.5(SGSH):c.693_705del (p.Ala232fs)

Gene: SGSH (N-sulfoglucosamine sulfohydrolase; minus strand). Cytogenetic location: 17q25.3.
Variant type: Deletion.
Coding change: c.693_705del on transcript NM_000199.5 (MANE Select); coding-DNA positions 693 to 705, 13 bases deleted (AGCCCGAGCCGAC).
Protein change: p.Ala232fs; shifts the reading frame from alanine 232.
Molecular consequence: frameshift variant. On other transcripts: non-coding transcript variant (1).
Genome position (GRCh38, 1-based): chr17:80,213,844-80,213,856, GTCGGCTCGGGCT deleted on the plus strand (AGCCCGAGCCGAC on the coding strand, the reverse complement: SGSH is on the minus strand); deleting any 13 consecutive bases within chr17:80,213,844-80,213,857 gives the same sequence; the c. name uses the placement nearest the transcript's 3' end. VCF-style (leftmost placement, unchanged base first): chr17-80213843-GGTCGGCTCGGGCT-G. GRCh37 (hg19) VCF-style: chr17-78187642-GGTCGGCTCGGGCT-G.
Other names: c.693_705del, p.Ala232fs (NM_001352921.3, NM_001352922.2); short protein forms A232fs.
Identifiers: ClinVar variation 1452542 (VCV001452542.8), dbSNP rs2041772144, ClinGen allele CA986724366.